The following is an entry in ClinVar:

ClinVar aggregate classification (germline): Uncertain significance (1 of 4 stars; one submission).

Conditions:
3-methylglutaconic aciduria, type VIIB (MGCA7B). Also called: CLPB Deficiency; 3-methylglutaconic aciduria with cataracts, neurologic involvement and neutropenia; 3-methylglutaconic aciduria, type VII, with cataracts, neurologic involvement and neutropenia. Identifiers: Orphanet 445038, MedGen C5676893, MONDO:0014561, OMIM 616271.

Allele frequency attached by ClinVar (database versions not stated): ExAC 0.00001; gnomAD 0.00001; gnomAD exomes 0.00001; 1000 Genomes Project 0.00020; 1000 Genomes Project 30x 0.00047.

Submission:

Labcorp Genetics (formerly Invitae), Labcorp
Classification: Uncertain significance for 3-methylglutaconic aciduria, type VIIB. Last evaluated: 2022-09-20. Review status: criteria provided, single submitter. Criteria: Invitae Variant Classification Sherloc (09022015). Collection method: clinical testing. Allele origin: germline.
Comment: This variant has not been reported in the literature in individuals affected with CLPB-related conditions. The frequency data for this variant in the population databases is considered unreliable, as metrics indicate poor data quality at this position in the gnomAD database. This sequence change replaces serine, which is neutral and polar, with phenylalanine, which is neutral and non-polar, at codon 132 of the CLPB protein (p.Ser132Phe). Algorithms developed to predict the effect of missense changes on protein structure and function are either unavailable or do not agree on the potential impact of this missense change (SIFT: "Tolerated"; PolyPhen-2: "Possibly Damaging"; Align-GVGD: "Class C0"). In summary, the available evidence is currently insufficient to determine the role of this variant in disease. Therefore, it has been classified as a Variant of Uncertain Significance.

NM_001258392.3(CLPB):c.395C>T (p.Ser132Phe)

Gene: CLPB (ClpB family mitochondrial disaggregase; minus strand). Cytogenetic location: 11q13.4.
Variant type: single nucleotide variant.
Coding change: c.395C>T on transcript NM_001258392.3 (MANE Select); coding-DNA position 395, C replaced by T.
Protein change: p.Ser132Phe; replaces serine 132 with phenylalanine.
Molecular consequence: missense variant. On other transcripts: synonymous variant (1).
Genome position (GRCh38, 1-based): chr11:72,434,080, G>A on the plus strand (C>T on the coding strand, the complement: CLPB is on the minus strand). VCF-style: chr11-72434080-G-A. GRCh37 (hg19) VCF-style: chr11-72145124-G-A.
Other names: c.395C>T, p.Ser132Phe (NM_001258393.3, NM_030813.6); c.153C>T, p.Val51= (NM_001258394.3); short protein forms S132F.
Identifiers: ClinVar variation 1904914 (VCV001904914.5), dbSNP rs200453658, ClinGen allele CA6171610.
Genomic context (GRCh38, chr11:72,434,080, plus strand): 5'-TTAGGACAATCTTCCCGCCTCTCCCTTCCTCAAACCCAGATCTCATAATCACCCTTGTTG[G>A]ACGGACTCTTGCTGTAGCAATGAACCACCAGCGCTGCGGCCAGGGCGCACATGCCCAGTC-3'
Protein context (NP_001245321.1, residues 122-142): LVVHCYSKSP[Ser132Phe]NKDAALLEAA